The following is an entry in ClinVar:

ClinVar aggregate classification (germline): Uncertain significance (1 of 4 stars; one submission).

Allele frequency attached by ClinVar (database versions not stated): gnomAD exomes 0.00002; ExAC 0.00003; gnomAD 0.00003; TOPMed 0.00007; 1000 Genomes Project 30x 0.00016; 1000 Genomes Project 0.00020.
gnomAD v4.1: 45 of 1,610,034 alleles (0.0028%); highest among the groups gnomAD compares: Middle Eastern, 0.017%; no homozygotes.

Submission:

Labcorp Genetics (formerly Invitae), Labcorp
Classification: Uncertain significance. Last evaluated: 2022-03-10. Review status: criteria provided, single submitter. Criteria: Invitae Variant Classification Sherloc (09022015). Collection method: clinical testing. Allele origin: germline.
Comment: This sequence change replaces glutamic acid, which is acidic and polar, with lysine, which is basic and polar, at codon 671 of the MME protein (p.Glu671Lys). This variant is present in population databases (rs551727774, gnomAD 0.02%). This variant has not been reported in the literature in individuals affected with MME-related conditions. Algorithms developed to predict the effect of missense changes on protein structure and function output the following: SIFT: "Tolerated"; PolyPhen-2: "Benign"; Align-GVGD: "Class C0". The lysine amino acid residue is found in multiple mammalian species, which suggests that this missense change does not adversely affect protein function. Algorithms developed to predict the effect of sequence changes on RNA splicing suggest that this variant may disrupt the consensus splice site. In summary, the available evidence is currently insufficient to determine the role of this variant in disease. Therefore, it has been classified as a Variant of Uncertain Significance.

NM_007289.4(MME):c.2011G>A (p.Glu671Lys)

Gene: MME (membrane metalloendopeptidase; plus strand). Cytogenetic location: 3q25.2.
Variant type: single nucleotide variant.
Coding change: c.2011G>A on transcript NM_007289.4 (MANE Select); coding-DNA position 2011, G replaced by A.
Protein change: p.Glu671Lys; replaces glutamic acid 671 with lysine.
Molecular consequence: missense variant.
Genome position (GRCh38, 1-based): chr3:155,172,147, G>A. VCF-style: chr3-155172147-G-A. GRCh37 (hg19) VCF-style: chr3-154889936-G-A.
Other names: c.2011G>A, p.Glu671Lys (NM_000902.5, NM_001354642.2, NM_001354643.1 and 2 more transcripts); short protein forms E671K.
Identifiers: ClinVar variation 2174190 (VCV002174190.1), dbSNP rs551727774, ClinGen allele CA2675723.